The following is an entry in ClinVar:

NM_017866.6(TMEM70):c.140G>A (p.Gly47Glu)

Gene: TMEM70 (transmembrane protein 70; plus strand). Cytogenetic location: 8q21.11.
Variant type: single nucleotide variant.
Coding change: c.140G>A on transcript NM_017866.6 (MANE Select); coding-DNA position 140, G replaced by A.
Protein change: p.Gly47Glu; replaces glycine 47 with glutamic acid.
Molecular consequence: missense variant. On other transcripts: non-coding transcript variant (1).
Genome position (GRCh38, 1-based): chr8:73,976,421, G>A. VCF-style: chr8-73976421-G-A. GRCh37 (hg19) VCF-style: chr8-74888656-G-A.
Other names: c.140G>A, p.Gly47Glu (NM_001040613.3); short protein forms G47E.
Identifiers: ClinVar variation 203988 (VCV000203988.3), dbSNP rs761956518, ClinGen allele CA313086.
Genomic context (GRCh38, chr8:73,976,421, plus strand): 5'-CCGCGCTCCGAGGTCCCCGGGCCTCTGTCTCCCGGGCGTCCTCCAGCAGCGGGCCTTCGG[G>A]GCCGGTAGCCGGCTGGAGTACGGGGCCTTCGGGAGCCGCGCGCCTTCTCCGGCGTCCGGG-3'
Protein context (NP_060336.3, residues 37-57): SRASSSSGPS[Gly47Glu]PVAGWSTGPS

ClinVar aggregate classification (germline): Uncertain significance (1 of 4 stars; one submission).

Conditions:
Mitochondrial complex V (ATP synthase) deficiency, nuclear type 2. Also called: ENCEPHALOCARDIOMYOPATHY, MITOCHONDRIAL, NEONATAL, DUE TO ATP SYNTHASE DEFICIENCY; MITOCHONDRIAL COMPLEX V (ATP SYNTHASE) DEFICIENCY, TMEM70 TYPE; Nuclear-Encoded ATPase Deficiency, TMEM70-Related. Identifiers: Orphanet 1194, MedGen C3279699, MONDO:0013546, OMIM 614052.

Allele frequency attached by ClinVar (database versions not stated): gnomAD 0.00001 and 0.00003; gnomAD exomes 0.00001 and below 0.00001; TOPMed 0.00001; ExAC 0.00002.

Submission:

Geisinger Autism and Developmental Medicine Institute, Geisinger Health System
Classification: Uncertain significance for Mitochondrial complex V (ATP synthase) deficiency, nuclear type 2. Last evaluated: 2017-03-23. Review status: criteria provided, single submitter. Criteria: ACMG Guidelines, 2015. Collection method: provider interpretation, clinical testing. Allele origin: maternal. Affected: no. Observed: 1 variant allele.
Comment: Computational models predict the variant to be benign.

Literature cited by the submitters: PubMed 18953340; PubMed 21147908; PubMed 24485043.